The following is an entry in ClinVar:

ClinVar aggregate classification (germline): Uncertain significance (1 of 4 stars; one submission).

Conditions:
Early-infantile DEE. Also called: Ohtahara syndrome; Early infantile epileptic encephalopathy with suppression bursts; Early infantile epileptic encephalopathy. Identifiers: Orphanet 1934, MedGen C0393706, MONDO:0800491.

Submission:

Labcorp Genetics (formerly Invitae), Labcorp
Classification: Uncertain significance for Early-infantile DEE. Last evaluated: 2024-06-09. Review status: criteria provided, single submitter. Criteria: Invitae Variant Classification Sherloc (09022015). Collection method: clinical testing. Allele origin: germline.
Comment: This sequence change replaces isoleucine, which is neutral and non-polar, with threonine, which is neutral and polar, at codon 1803 of the SCN8A protein (p.Ile1803Thr). This variant is not present in population databases (gnomAD no frequency). This variant has not been reported in the literature in individuals affected with SCN8A-related conditions. Advanced modeling of protein sequence and biophysical properties (such as structural, functional, and spatial information, amino acid conservation, physicochemical variation, residue mobility, and thermodynamic stability) performed at Invitae indicates that this missense variant is expected to disrupt SCN8A protein function with a positive predictive value of 95%. In summary, the available evidence is currently insufficient to determine the role of this variant in disease. Therefore, it has been classified as a Variant of Uncertain Significance.

NM_001330260.2(SCN8A):c.5408T>C (p.Ile1803Thr)

Gene: SCN8A (sodium voltage-gated channel alpha subunit 8; plus strand). Cytogenetic location: 12q13.13.
Variant type: single nucleotide variant.
Coding change: c.5408T>C on transcript NM_001330260.2 (MANE Select); coding-DNA position 5408, T replaced by C.
Protein change: p.Ile1803Thr; replaces isoleucine 1803 with threonine.
Molecular consequence: missense variant.
Genome position (GRCh38, 1-based): chr12:51,806,894, T>C. VCF-style: chr12-51806894-T-C. GRCh37 (hg19) VCF-style: chr12-52200678-T-C.
Other names: c.5285T>C, p.Ile1762Thr (NM_001177984.3, NM_001369788.1); c.5408T>C, p.Ile1803Thr (NM_014191.4); short protein forms I1803T, I1762T.
Identifiers: ClinVar variation 3669662 (VCV003669662.2).